The following is an entry in ClinVar:

ClinVar aggregate classification (germline): Uncertain significance (1 of 4 stars; one submission).

Submission:

GeneDx
Classification: Uncertain significance. Last evaluated: 2025-11-25. Review status: criteria provided, single submitter. Criteria: GeneDx Variant Classification Process June 2021. Collection method: clinical testing. Allele origin: germline.
Comment: Not observed at significant frequency in large population cohorts (gnomAD); In silico analysis suggests that this missense variant does not alter protein structure/function; Has not been previously published as pathogenic or benign to our knowledge

NM_001330360.2(POLA1):c.3767A>C (p.His1256Pro)

Gene: POLA1 (DNA polymerase alpha 1, catalytic subunit; plus strand). Cytogenetic location: Xp22.11.
Variant type: single nucleotide variant.
Coding change: c.3767A>C on transcript NM_001330360.2 (MANE Select); coding-DNA position 3767, A replaced by C.
Protein change: p.His1256Pro; replaces histidine 1256 with proline.
Molecular consequence: missense variant. On other transcripts: non-coding transcript variant (2).
Genome position (GRCh38, 1-based): chrX:24,841,682, A>C. VCF-style: chrX-24841682-A-C. GRCh37 (hg19) VCF-style: chrX-24859799-A-C.
Other names: c.3692A>C, p.His1231Pro (NM_001378303.1); c.3749A>C, p.His1250Pro (NM_016937.4); short protein forms H1231P, H1250P, H1256P.
Identifiers: ClinVar variation 2430531 (VCV002430531.2), dbSNP rs2518744004, ClinGen allele CA412607969.